The following is an entry in ClinVar:

ClinVar aggregate classification (germline): Uncertain significance (1 of 4 stars; one submission).

Submission:

Ambry Genetics
Classification: Uncertain significance. Last evaluated: 2025-09-23. Review status: criteria provided, single submitter. Criteria: Ambry Variant Classification Scheme 2023. Collection method: clinical testing. Allele origin: germline.
Comment: The p.T26I variant (also known as c.77C>T), located in coding exon 1 of the RAD51B gene, results from a C to T substitution at nucleotide position 77. The threonine at codon 26 is replaced by isoleucine, an amino acid with similar properties. This amino acid position is conserved. In addition, this alteration is predicted to be tolerated by in silico analysis. Based on the available evidence, the clinical significance of this variant remains unclear.

NM_133510.4(RAD51B):c.77C>T (p.Thr26Ile)

Gene: RAD51B (RAD51 paralog B; plus strand). Cytogenetic location: 14q24.1.
Variant type: single nucleotide variant.
Coding change: c.77C>T on transcript NM_133510.4 (MANE Select); coding-DNA position 77, C replaced by T.
Protein change: p.Thr26Ile; replaces threonine 26 with isoleucine.
Molecular consequence: missense variant. On other transcripts: 5 prime UTR variant (2).
Genome position (GRCh38, 1-based): chr14:67,823,620, C>T. VCF-style: chr14-67823620-C-T. GRCh37 (hg19) VCF-style: chr14-68290337-C-T.
Other names: c.77C>T, p.Thr26Ile (NM_001321809.2, NM_001321810.2, NM_001321812.1 and 6 more transcripts); c.-38C>T (NM_001321815.1); c.-379C>T (NM_001321817.2); short protein forms T26I.
Identifiers: ClinVar variation 4575278 (VCV004575278.1).